The following is an entry in ClinVar:

ClinVar aggregate classification (germline): Pathogenic (1 of 4 stars; one submission).

Allele frequency attached by ClinVar (database versions not stated): gnomAD exomes below 0.00001.

Submission:

Labcorp Genetics (formerly Invitae), Labcorp
Classification: Pathogenic. Last evaluated: 2023-06-15. Review status: criteria provided, single submitter. Criteria: Invitae Variant Classification Sherloc (09022015). Collection method: clinical testing. Allele origin: germline.
Comment: For these reasons, this variant has been classified as Pathogenic. This variant has not been reported in the literature in individuals affected with MYO15A-related conditions. This variant is not present in population databases (gnomAD no frequency). This sequence change creates a premature translational stop signal (p.Phe2321Valfs*9) in the MYO15A gene. It is expected to result in an absent or disrupted protein product. Loss-of-function variants in MYO15A are known to be pathogenic (PMID: 17546645).

Literature cited by the submitters: PubMed 17546645.

NM_016239.4(MYO15A):c.6959dup (p.Phe2321fs)

Gene: MYO15A (myosin XVA; plus strand). Cytogenetic location: 17p11.2.
Variant type: Duplication.
Coding change: c.6959dup on transcript NM_016239.4 (MANE Select); coding-DNA position 6959, one base duplicated (T; older notation c.6959dupT).
Protein change: p.Phe2321fs; shifts the reading frame from phenylalanine 2321.
Molecular consequence: frameshift variant.
Genome position (GRCh38, 1-based): chr17:18,149,218, T duplicated. VCF-style (leftmost placement, unchanged base first): chr17-18149217-G-GT. GRCh37 (hg19) VCF-style: chr17-18052531-G-GT.
Other names: short protein forms F2321fs.
Identifiers: ClinVar variation 2715822 (VCV002715822.3), dbSNP rs2545280195, ClinGen allele CA2636454256.